The following is an entry in ClinVar:

ClinVar aggregate classification (germline): Conflicting classifications of pathogenicity. Review status: criteria provided, conflicting classifications (1 of 4 stars). 3 submissions from 3 submitters: Uncertain significance (2); Likely benign (1). Last evaluated 2024-11-20.

Conditions:
Early-onset Parkinson disease 20. Also called: PARKINSON DISEASE 20, AUTOSOMAL RECESSIVE EARLY-ONSET. Identifiers: Orphanet 391411, MedGen C3809824, MONDO:0014233, OMIM 615530.
Developmental and epileptic encephalopathy, 53. Also called: Epileptic encephalopathy, early infantile, 53. Identifiers: MedGen C4479313, MONDO:0033362, OMIM 617389.

Allele frequency attached by ClinVar (database versions not stated): gnomAD exomes 0.00001; gnomAD 0.00002; TOPMed 0.00002.
gnomAD v4.1: 24 of 1,613,668 alleles (0.0015%); highest among the groups gnomAD compares: East Asian, 0.0022%; no homozygotes.

Submissions (3):

Blueprint Genetics
Classification: Uncertain significance. Last evaluated: 2024-11-20. Review status: criteria provided, single submitter. Criteria: ACMG Guidelines, 2015. Collection method: clinical testing. Allele origin: germline.

3billion
Classification: Likely benign for Developmental and epileptic encephalopathy, 53; Early-onset Parkinson disease 20. Last evaluated: 2024-09-20. Review status: criteria provided, single submitter. Criteria: ACMG Guidelines, 2015. Collection method: clinical testing. Allele origin: germline. Affected: no.
Comment: The homozygous variant was found in patients diagnosed with another variant in a different gene, with no symptoms related to the gene containing the homozygous variant.

Labcorp Genetics (formerly Invitae), Labcorp
Classification: Uncertain significance for Developmental and epileptic encephalopathy, 53; Early-onset Parkinson disease 20. Last evaluated: 2022-09-06. Review status: criteria provided, single submitter. Criteria: Invitae Variant Classification Sherloc (09022015). Collection method: clinical testing. Allele origin: germline.
Comment: This sequence change replaces arginine, which is basic and polar, with cysteine, which is neutral and slightly polar, at codon 1213 of the SYNJ1 protein (p.Arg1213Cys). This variant is present in population databases (no rsID available, gnomAD 0.002%). This variant has not been reported in the literature in individuals affected with SYNJ1-related conditions. ClinVar contains an entry for this variant (Variation ID: 843574). Algorithms developed to predict the effect of missense changes on protein structure and function are either unavailable or do not agree on the potential impact of this missense change (SIFT: "Deleterious"; PolyPhen-2: "Probably Damaging"; Align-GVGD: "Class C0"). In summary, the available evidence is currently insufficient to determine the role of this variant in disease. Therefore, it has been classified as a Variant of Uncertain Significance.

NM_203446.3(SYNJ1):c.3520C>T (p.Arg1174Cys)

Gene: SYNJ1 (synaptojanin 1; minus strand). Cytogenetic location: 21q22.11.
Variant type: single nucleotide variant.
Coding change: c.3520C>T on transcript NM_203446.3 (MANE Select); coding-DNA position 3520, C replaced by T.
Protein change: p.Arg1174Cys; replaces arginine 1174 with cysteine.
Molecular consequence: missense variant.
Genome position (GRCh38, 1-based): chr21:32,641,964, G>A on the plus strand (C>T on the coding strand, the complement: SYNJ1 is on the minus strand). VCF-style: chr21-32641964-G-A. GRCh37 (hg19) VCF-style: chr21-34014274-G-A.
Other names: c.3472C>T, p.Arg1158Cys (NM_001160302.2); c.3379C>T, p.Arg1127Cys (NM_001160306.2); c.3637C>T, p.Arg1213Cys (NM_003895.4); short protein forms R1158C, R1213C, R1127C, R1174C.
Identifiers: ClinVar variation 843574 (VCV000843574.7), dbSNP rs1367145848, ClinGen allele CA410066016.